The following is an entry in ClinVar:

NM_003803.4(MYOM1):c.4326del (p.Lys1442fs)

Gene: MYOM1 (myomesin 1; minus strand). Cytogenetic location: 18p11.31.
Variant type: Deletion.
Coding change: c.4326del on transcript NM_003803.4 (MANE Select); coding-DNA position 4326, one base deleted (G; older notation c.4326delG).
Protein change: p.Lys1442fs; shifts the reading frame from lysine 1442.
Molecular consequence: frameshift variant.
Genome position (GRCh38, 1-based): chr18:3,085,058, C deleted on the plus strand (G on the coding strand, the reverse complement: MYOM1 is on the minus strand). VCF-style (leftmost placement, unchanged base first): chr18-3085057-GC-G. GRCh37 (hg19) VCF-style: chr18-3085055-GC-G.
Other names: c.4038del, p.Lys1346fs (NM_019856.2); short protein forms K1346fs, K1442fs.
Identifiers: ClinVar variation 2138580 (VCV002138580.4), dbSNP rs1336860158, ClinGen allele CA628059542.

ClinVar aggregate classification (germline): Uncertain significance (1 of 4 stars; one submission).

Conditions:
Hypertrophic cardiomyopathy. Also called: HYPERTROPHIC MYOCARDIOPATHY. Identifiers: Orphanet 217569, MedGen C0007194, MeSH D002312, MONDO:0005045, HP:0001639.

Allele frequency attached by ClinVar (database versions not stated): TOPMed below 0.00001; gnomAD exomes 0.00002.

Submission:

Labcorp Genetics (formerly Invitae), Labcorp
Classification: Uncertain significance for Hypertrophic cardiomyopathy. Last evaluated: 2025-10-17. Review status: criteria provided, single submitter. Criteria: Invitae Variant Classification Sherloc (09022015). Collection method: clinical testing. Allele origin: germline.
Comment: This sequence change creates a premature translational stop signal (p.Lys1442Asnfs*10) in the MYOM1 gene. It is expected to result in an absent or disrupted protein product. However, the current clinical and genetic evidence is not sufficient to establish whether loss-of-function variants in MYOM1 cause disease. This variant is present in population databases (no rsID available, gnomAD 0.001%). This variant has not been reported in the literature in individuals affected with MYOM1-related conditions. ClinVar contains an entry for this variant (Variation ID: 2138580). Experimental studies and prediction algorithms are not available or were not evaluated, and the functional significance of this variant is currently unknown. In summary, the available evidence is currently insufficient to determine the role of this variant in disease. Therefore, it has been classified as a Variant of Uncertain Significance.